The following is an entry in ClinVar:

NM_017934.7(PHIP):c.4760G>C (p.Arg1587Pro)

Genes: IRAK1BP1 (interleukin 1 receptor associated kinase 1 binding protein 1; plus strand), PHIP (PHIP subunit of CUL4-Ring ligase complex; minus strand). Cytogenetic location: 6q14.1.
Variant type: single nucleotide variant.
Coding change: c.4760G>C on transcript NM_017934.7 (MANE Select); coding-DNA position 4760, G replaced by C.
Protein change: p.Arg1587Pro; replaces arginine 1587 with proline.
Molecular consequence: missense variant.
Genome position (GRCh38, 1-based): chr6:78,945,368, C>G on the plus strand (G>C on the coding strand, the complement: PHIP is on the minus strand). VCF-style: chr6-78945368-C-G. GRCh37 (hg19) VCF-style: chr6-79655085-C-G.
Other names: short protein forms R1587P.
Identifiers: ClinVar variation 2443538 (VCV002443538.2), dbSNP rs760455292, ClinGen allele CA364635340.

ClinVar aggregate classification (germline): Uncertain significance (1 of 4 stars; one submission).

Submission:

GeneDx
Classification: Uncertain significance. Last evaluated: 2023-09-29. Review status: criteria provided, single submitter. Criteria: GeneDx Variant Classification Process June 2021. Collection method: clinical testing. Allele origin: germline. Affected: yes.
Comment: Not observed at significant frequency in large population cohorts (gnomAD); In silico analysis supports that this missense variant has a deleterious effect on protein structure/function; Has not been previously published as pathogenic or benign to our knowledge